The following is an entry in ClinVar:

NM_172107.4(KCNQ2):c.833T>C (p.Ile278Thr)

Gene: KCNQ2 (potassium voltage-gated channel subfamily Q member 2; minus strand). Cytogenetic location: 20q13.33.
Variant type: single nucleotide variant.
Coding change: c.833T>C on transcript NM_172107.4 (MANE Select); coding-DNA position 833, T replaced by C.
Protein change: p.Ile278Thr; replaces isoleucine 278 with threonine.
Molecular consequence: missense variant.
Genome position (GRCh38, 1-based): chr20:63,439,692, A>G on the plus strand (T>C on the coding strand, the complement: KCNQ2 is on the minus strand). VCF-style: chr20-63439692-A-G. GRCh37 (hg19) VCF-style: chr20-62071045-A-G.
Other names: c.833T>C, p.Ile278Thr (NM_004518.6, NM_172106.3, NM_172108.5 and 1 more transcripts); short protein forms I278T.
Identifiers: ClinVar variation 429212 (VCV000429212.16), dbSNP rs1057523728, ClinGen allele CA409652725.

ClinVar aggregate classification (germline): Pathogenic/Likely pathogenic. Review status: criteria provided, multiple submitters, no conflicts (2 of 4 stars). 7 submissions from 7 submitters: Pathogenic (4); Likely pathogenic (2). 1 of the submissions does not count toward it. Last evaluated 2026-01-15.

Conditions:
Early-infantile DEE. Also called: Ohtahara syndrome; Early infantile epileptic encephalopathy with suppression bursts; Early infantile epileptic encephalopathy. Identifiers: Orphanet 1934, MedGen C0393706, MONDO:0800491.
KCNQ2-Related Disorders. Also called: KCNQ2-related disorder; KCNQ2-related condition. Identifiers: MedGen CN169299.
Developmental and epileptic encephalopathy, 7 (DEE7). Also called: KCNQ2-Related Neonatal-Onset Developmental and Epileptic Encephalopathy (NEO-DEE); Early infantile epileptic encephalopathy 7; KCNQ2-Related Neonatal Epileptic Encephalopathy. Identifiers: Orphanet 439218, MedGen C3150986, MONDO:0013387, OMIM 613720.

Allele frequency attached by ClinVar (database versions not stated): gnomAD exomes below 0.00001.
gnomAD v4.1: 1 of 1,613,468 alleles (0.000062%); highest among the groups gnomAD compares: African/African-American, 0.0013%; no homozygotes.

Submissions (13):

Dasa
Classification: Pathogenic. Last evaluated: 2026-01-15. Review status: criteria provided, single submitter. Criteria: DASA Assertion Criteria. Collection method: clinical testing. Allele origin: germline.
Comment: NM_172107.4(KCNQ2):c.833T>C (p.Ile278Thr) is a missense variant that results in the substitution of isoleucine with threonine. The affected residue or protein region has prior evidence supporting clinical relevance. De novo occurrence has been reported in an individual with related phenotype. Functional evidence supports a deleterious effect on the gene or gene product (PMID: 30109124; PMID: 31780880; PMID: 35104249). This variant has been recurrently observed in individuals with related phenotype (PMID: 30109124; PMID: 31780880; PMID: 35104249). Multiple computational predictions support a deleterious effect on the gene or gene product. The variant is present at low frequency in population datasets. Based on the available data, this variant is classified as pathogenic.

Genesolutions, Medical Genetics Institutes, Ho Chi Minh City, Vietnam
Classification: Pathogenic for Developmental and epileptic encephalopathy, 7. Last evaluated: 2025-09-24. Review status: criteria provided, single submitter. Criteria: ACMG Guidelines, 2015. Collection method: clinical testing. Allele origin: germline. Affected: yes.

Labcorp Genetics (formerly Invitae), Labcorp
Classification: Pathogenic for Early-infantile DEE. Last evaluated: 2023-03-23. Review status: criteria provided, single submitter. Criteria: Invitae Variant Classification Sherloc (09022015). Collection method: clinical testing. Allele origin: germline.
Comment: This sequence change replaces isoleucine, which is neutral and non-polar, with threonine, which is neutral and polar, at codon 278 of the KCNQ2 protein (p.Ile278Thr). This variant is not present in population databases (gnomAD no frequency). This missense change has been observed in individual(s) with clinical features of KCNQ2-related conditions (PMID: 30109124). In at least one individual the variant was observed to be de novo. ClinVar contains an entry for this variant (Variation ID: 429212). Advanced modeling of protein sequence and biophysical properties (such as structural, functional, and spatial information, amino acid conservation, physicochemical variation, residue mobility, and thermodynamic stability) performed at Invitae indicates that this missense variant is expected to disrupt KCNQ2 protein function. This variant disrupts the p.Ile278 amino acid residue in KCNQ2. Other variant(s) that disrupt this residue have been determined to be pathogenic (Invitae). This suggests that this residue is clinically significant, and that variants that disrupt this residue are likely to be disease-causing. For these reasons, this variant has been classified as Pathogenic.

GeneDx
Classification: Pathogenic. Last evaluated: 2021-12-02. Review status: criteria provided, single submitter. Criteria: GeneDx Variant Classification Process June 2021. Collection method: clinical testing. Allele origin: germline. Affected: yes.
Comment: Not observed in large population cohorts (Lek et al., 2016); Missense variants in this gene are often considered pathogenic (Stenson et al., 2014); In silico analysis supports that this missense variant has a deleterious effect on protein structure/function; This variant is associated with the following publications: (PMID: 30109124, 31780880, 27602407)

NeuroMeGen, Hospital Clinico Santiago de Compostela
Classification: Likely pathogenic for Developmental and epileptic encephalopathy, 7. Last evaluated: 2018-01-01. Review status: criteria provided, single submitter. Criteria: ACMG Guidelines, 2015. Collection method: clinical testing. Allele origin: de novo. Affected: yes. Observed: 1 heterozygote.

Kasturba Medical College, Manipal, Kasturba Medical College, Manipal, Manipal Academy of Higher Education, Manipal, India
Classification: Likely pathogenic for KCNQ2-related disorder. Review status: criteria provided, single submitter. Criteria: ACMG Guidelines, 2015. Collection method: clinical testing. Allele origin: de novo. Affected: yes. Observed: 1 variant allele.

PreventionGenetics, part of Exact Sciences
Classification: Pathogenic for KCNQ2-related condition. Last evaluated: 2023-10-25. Review status: no assertion criteria provided. Collection method: clinical testing. Allele origin: germline. Not counted in ClinVar's aggregate classification.
Comment: The KCNQ2 c.833T>C variant is predicted to result in the amino acid substitution p.Ile278Thr. This variant was reported in several individuals with early infantile epileptic encephalopathy and at least in two cases was determined to occur de novo (Table 2, Ostrander et al. 2018. PubMed ID: 30109124; Table 1A, Fernández-Marmiesse et al. 2019. PubMed ID: 31780880; Table S5, Barbosa-Gouveia et al. 2021. PubMed ID: 34440436). Functional studies show that this variant affects protein function (Figure 5, Vanoye et al. 2022. PubMed ID: 35104249). An different variant affecting the same codon (p.Ile278Phe) was observed de novo in an individual with epilepsy (Table 1, Gong et al. 2021. PubMed ID: 33897753). This variant has not been reported in a large population database, indicating this variant is rare. This variant is interpreted as pathogenic.

Channelopathy-Associated Epilepsy Research Center
No classification provided (evidence only). Condition: Complex neurodevelopmental disorder. Review status: no classification provided. Collection method: literature only. Allele origin: not applicable. Functional consequence: Severe decrease in peak current, Severe slowing of activation, Severe hyperpolarizing shift of voltage dependence of activation. Not counted in ClinVar's aggregate classification.
ClinVar note: "not provided" was previously submitted as the classification for the variant. However, the classification appeared to be based only on an observation of functional data so it was converted to no classification on 2025-07-30.

Channelopathy-Associated Epilepsy Research Center
No classification provided (evidence only). Review status: no classification provided. Collection method: in vitro. Allele origin: not applicable. Functional consequence: Decrease in peak current. Not counted in ClinVar's aggregate classification.

Channelopathy-Associated Epilepsy Research Center
No classification provided (evidence only). Review status: no classification provided. Collection method: in vitro. Allele origin: not applicable. Functional consequence: Decrease in peak current. Not counted in ClinVar's aggregate classification.

Channelopathy-Associated Epilepsy Research Center
No classification provided (evidence only). Review status: no classification provided. Collection method: in vitro. Allele origin: not applicable. Functional consequence: Hyperpolarizing shift of voltage dependence of activation. Not counted in ClinVar's aggregate classification.

Channelopathy-Associated Epilepsy Research Center
No classification provided (evidence only). Review status: no classification provided. Collection method: in vitro. Allele origin: not applicable. Functional consequence: Increase in slope of activation. Not counted in ClinVar's aggregate classification.

Channelopathy-Associated Epilepsy Research Center
No classification provided (evidence only). Review status: no classification provided. Collection method: in vitro. Allele origin: not applicable. Functional consequence: Normal rate of activation. Not counted in ClinVar's aggregate classification.

Literature cited by the submitters: PubMed 30109124 (cited by Dasa and Labcorp Genetics (formerly Invitae), Labcorp); PubMed 31780880 (cited by Dasa); PubMed 35104249 (cited by Dasa and Channelopathy-Associated Epilepsy Research Center).